The following is an entry in ClinVar:

NM_000535.7(PMS2):c.970A>C (p.Asn324His)

Gene: PMS2 (PMS1 homolog 2, mismatch repair system component; minus strand). Cytogenetic location: 7p22.1.
Variant type: single nucleotide variant.
Coding change: c.970A>C on transcript NM_000535.7 (MANE Select); coding-DNA position 970, A replaced by C.
Protein change: p.Asn324His; replaces asparagine 324 with histidine.
Molecular consequence: missense variant. On other transcripts: non-coding transcript variant (1), intron variant (1).
Genome position (GRCh38, 1-based): chr7:5,991,991, T>G on the plus strand (A>C on the coding strand, the complement: PMS2 is on the minus strand). VCF-style: chr7-5991991-T-G. GRCh37 (hg19) VCF-style: chr7-6031622-T-G.
Other names: c.565A>C, p.Asn189His (NM_001322003.2, NM_001322004.2, NM_001322005.2 and 19 more transcripts); c.970A>C, p.Asn324His (NM_001322006.2, NM_001322014.2, NM_001406870.1 and 2 more transcripts); c.652A>C, p.Asn218His (NM_001322007.2, NM_001322008.2, NM_001406876.1 and 4 more transcripts); c.37A>C, p.Asn13His (NM_001322011.2, NM_001322012.2); c.397A>C, p.Asn133His (NM_001322013.2, NM_001406909.1); c.661A>C, p.Asn221His (NM_001322015.2, NM_001406875.1, NM_001406877.1 and 6 more transcripts); c.1156A>C, p.Asn386His (NM_001406866.1); c.994A>C, p.Asn332His (NM_001406868.1); and 8 more; short protein forms N13H, N212H, N218H, N221H, N288H, N332H, N153H, N268H.
Identifiers: ClinVar variation 4711154 (VCV004711154.1).
Genomic context (GRCh38, chr7:5,991,991, plus strand): 5'-GGCATTAGTCACTAGTTGTACTGAAATGCCAATGGAACTTACCTGAATCAACAGAAATGT[T>G]AAGAACAACAAATGGATACTGGTGTCGATTATACATGTGGTAGACCTCATTCACGAGTCT-3'
Protein context (NP_000526.2, residues 314-334): NRHQYPFVVL[Asn324His]ISVDSECVDI

ClinVar aggregate classification (germline): Uncertain significance (1 of 4 stars; one submission).

Conditions:
Hereditary nonpolyposis colorectal neoplasms. Identifiers: MedGen C0009405, MeSH D003123.

Submission:

Labcorp Genetics (formerly Invitae), Labcorp
Classification: Uncertain significance for Hereditary nonpolyposis colorectal neoplasms. Last evaluated: 2026-01-31. Review status: criteria provided, single submitter. Criteria: Invitae Variant Classification Sherloc (09022015). Collection method: clinical testing. Allele origin: germline.
Comment: This sequence change replaces asparagine, which is neutral and polar, with histidine, which is basic and polar, at codon 324 of the PMS2 protein (p.Asn324His). This variant is not present in population databases (gnomAD no frequency). This variant has not been reported in the literature in individuals affected with PMS2-related conditions. Invitae Evidence Modeling incorporating data from in vitro experimental studies (internal data) indicates that this missense variant is not expected to disrupt PMS2 function with a negative predictive value of 95%. In summary, the available evidence is currently insufficient to determine the role of this variant in disease. Therefore, it has been classified as a Variant of Uncertain Significance.